The following is an entry in ClinVar:

ClinVar aggregate classification (germline): Uncertain significance (1 of 4 stars; one submission).

Conditions:
Primary ciliary dyskinesia. Also called: Ciliary dyskinesia. Identifiers: Orphanet 244, MedGen C0008780, MONDO:0016575, HP:0012265.

gnomAD v4.1: 3 of 1,543,600 alleles (0.00019%); highest among the groups gnomAD compares: Non-Finnish European, 0.00026%; no homozygotes.

Submission:

Ambry Genetics
Classification: Uncertain significance for Primary ciliary dyskinesia. Last evaluated: 2025-10-29. Review status: criteria provided, single submitter. Criteria: Ambry Variant Classification Scheme 2023. Collection method: clinical testing. Allele origin: germline.
Comment: The p.P722A variant (also known as c.2164C>G), located in coding exon 16 of the SPAG1 gene, results from a C to G substitution at nucleotide position 2164. The proline at codon 722 is replaced by alanine, an amino acid with highly similar properties. This amino acid position is conserved. In addition, the in silico prediction for this alteration is inconclusive. Based on the available evidence, the clinical significance of this variant remains unclear.

NM_003114.5(SPAG1):c.2164C>G (p.Pro722Ala)

Gene: SPAG1 (sperm associated antigen 1; plus strand). Cytogenetic location: 8q22.2.
Variant type: single nucleotide variant.
Coding change: c.2164C>G on transcript NM_003114.5 (MANE Select); coding-DNA position 2164, C replaced by G.
Protein change: p.Pro722Ala; replaces proline 722 with alanine.
Molecular consequence: missense variant.
Genome position (GRCh38, 1-based): chr8:100,239,288, C>G. VCF-style: chr8-100239288-C-G. GRCh37 (hg19) VCF-style: chr8-101251516-C-G.
Other names: c.2164C>G, p.Pro722Ala (NM_001374321.1, NM_172218.3); short protein forms P722A.
Identifiers: ClinVar variation 4635349 (VCV004635349.1).